The following is an entry in ClinVar:

NM_001110556.2(FLNA):c.53GCG[4] (p.Gly20_Val21insGly)

Gene: FLNA (filamin A; minus strand). Cytogenetic location: Xq28.
Variant type: Microsatellite.
Coding change: c.53GCG[4] on transcript NM_001110556.2 (MANE Select); four copies in a row of the 3-base unit GCG starting at c.53; the reference has three copies in a row; one copy, 3 bases duplicated.
Protein change: p.Gly20_Val21insGly.
Molecular consequence: inframe insertion.
Genome position (GRCh38, 1-based): chrX:154,371,185-154,371,187, CGC duplicated on the plus strand (GCG on the coding strand, the reverse complement: FLNA is on the minus strand); duplicating any 3 consecutive bases within chrX:154,371,185-154,371,194 gives the same sequence; the position shown is the placement nearest the transcript's 3' end. VCF-style (leftmost placement, unchanged base first): chrX-154371184-A-ACGC. GRCh37 (hg19) VCF-style: chrX-153599552-A-ACGC.
Other names: c.53GCG[4], p.Gly20_Val21insGly (NM_001456.4).
Identifiers: ClinVar variation 2933737 (VCV002933737.3), dbSNP rs2067804005, ClinGen allele CA2466660445.

ClinVar aggregate classification (germline): Uncertain significance (1 of 4 stars; one submission).

Conditions:
Oto-palato-digital syndrome, type II (OPD2). Also called: FACIOPALATOOSSEOUS SYNDROME; OPD II SYNDROME; Otopalatodigital Syndrome, Type II; Otopalatodigital Syndrome Type 2 (FLNA-OPD2). Identifiers: Orphanet 669, Orphanet 90652, MedGen C1844696, MONDO:0010571, OMIM 304120.
Heterotopia, periventricular, X-linked dominant (PVNH1). Also called: PERIVENTRICULAR NODULAR HETEROTOPIA 1; X-linked periventricular heterotopia; PERIVENTRICULAR NODULAR HETEROTOPIA 4; HETEROTOPIA, PERIVENTRICULAR, 1. Identifiers: Orphanet 2149, Orphanet 82004, MedGen C1848213, MONDO:0010233, OMIM 300049.
Frontometaphyseal dysplasia (FMD1). Identifiers: Orphanet 1826, MedGen C0265293, MONDO:0015942.
Melnick-Needles syndrome (MNS). Also called: MELNICK-NEEDLES OSTEODYSPLASTY; OSTEODYSPLASTY OF MELNICK AND NEEDLES; Melnick-Needles Syndrome (FLNA-MNS). Identifiers: Orphanet 2484, MedGen C0025237, MONDO:0010650, OMIM 309350.

Submission:

Labcorp Genetics (formerly Invitae), Labcorp
Classification: Uncertain significance for Oto-palato-digital syndrome, type II; Heterotopia, periventricular, X-linked dominant; Frontometaphyseal dysplasia; Melnick-Needles syndrome. Last evaluated: 2023-07-19. Review status: criteria provided, single submitter. Criteria: Invitae Variant Classification Sherloc (09022015). Collection method: clinical testing. Allele origin: germline.
Comment: In summary, the available evidence is currently insufficient to determine the role of this variant in disease. Therefore, it has been classified as a Variant of Uncertain Significance. This variant has not been reported in the literature in individuals affected with FLNA-related conditions. This variant, c.59_61dup, results in the insertion of 1 amino acid(s) of the FLNA protein (p.Gly20dup), but otherwise preserves the integrity of the reading frame. This variant is not present in population databases (gnomAD no frequency).